The following is an entry in ClinVar:

NM_006231.4(POLE):c.1687-2A>G

Gene: POLE (DNA polymerase epsilon, catalytic subunit; minus strand). Cytogenetic location: 12q24.33.
Variant type: single nucleotide variant.
Coding change: c.1687-2A>G on transcript NM_006231.4 (MANE Select); the canonical splice acceptor site of the intron before coding-DNA position 1687, A replaced by G.
Molecular consequence: splice acceptor variant.
Genome position (GRCh38, 1-based): chr12:132,672,324, T>C on the plus strand (A>G on the coding strand, the complement: POLE is on the minus strand). VCF-style: chr12-132672324-T-C. GRCh37 (hg19) VCF-style: chr12-133248910-T-C.
Other names: c.1687-2A>G (NM_006231.2).
Identifiers: ClinVar variation 1037715 (VCV001037715.10), dbSNP rs2042947658, ClinGen allele CA387356431.

ClinVar aggregate classification (germline): Conflicting classifications of pathogenicity. Review status: criteria provided, conflicting classifications (1 of 4 stars). 2 submissions from 2 submitters: Likely pathogenic (1); Uncertain significance (1). Last evaluated 2026-02-03.

Conditions:
Hereditary cancer-predisposing syndrome. Also called: Hereditary Cancer Syndrome; Neoplastic Syndromes, Hereditary; Tumor predisposition; Hereditary neoplastic syndrome. Identifiers: Orphanet 140162, MedGen C0027672, MeSH D009386, MONDO:0015356.

Submissions (2):

Ambry Genetics
Classification: Uncertain significance for Hereditary cancer-predisposing syndrome. Last evaluated: 2026-02-03. Review status: criteria provided, single submitter. Criteria: Ambry Variant Classification Scheme 2023. Collection method: clinical testing. Allele origin: germline.
Comment: The c.1687-2A>G intronic variant results from an A to G substitution two nucleotides upstream from coding exon 16 in the POLE gene. Variants that disrupt the canonical splice site are expected to result in aberrant splicing. In silico splice site analysis predicts that this alteration will weaken the native splice acceptor site and will result in the creation or strengthening of a novel splice acceptor site. A resulting transcript is predicted to be in-frame and is not expected to trigger nonsense-mediated mRNAdecay; although, direct evidence is unavailable. This nucleotide position is highly conserved in available vertebrate species. Based on the available evidence, the clinical significance of this variant remains unclear.

Labcorp Genetics (formerly Invitae), Labcorp
Classification: Likely pathogenic. Last evaluated: 2025-09-04. Review status: criteria provided, single submitter. Criteria: Invitae Variant Classification Sherloc (09022015). Collection method: clinical testing. Allele origin: germline.
Comment: This sequence change affects an acceptor splice site in intron 15 of the POLE gene. It is expected to disrupt RNA splicing. Variants that disrupt the donor or acceptor splice site typically lead to a loss of protein function (PMID: 16199547), and loss-of-function variants in POLE are known to be pathogenic (PMID: 23230001, 25948378, 30503519). This variant is not present in population databases (gnomAD no frequency). This variant has not been reported in the literature in individuals affected with POLE-related conditions. ClinVar contains an entry for this variant (Variation ID: 1037715). Algorithms developed to predict the effect of sequence changes on RNA splicing suggest that this variant may disrupt the consensus splice site. In summary, the currently available evidence indicates that the variant is pathogenic, but additional data are needed to prove that conclusively. Therefore, this variant has been classified as Likely Pathogenic.

Literature cited by the submitters: PubMed 16199547 (cited by Labcorp Genetics (formerly Invitae), Labcorp); PubMed 23230001 (cited by Labcorp Genetics (formerly Invitae), Labcorp); PubMed 25948378 (cited by Labcorp Genetics (formerly Invitae), Labcorp); PubMed 30503519 (cited by Labcorp Genetics (formerly Invitae), Labcorp).